The following is an entry in ClinVar:

ClinVar aggregate classification (germline): Pathogenic. Review status: criteria provided, multiple submitters, no conflicts (2 of 4 stars). 3 submissions from 3 submitters: Pathogenic (3). Last evaluated 2019-05-28.

Conditions:
Inborn genetic diseases. Identifiers: MedGen C0950123, MeSH D030342.
Pitt-Hopkins syndrome (PTHS). Also called: MENTAL RETARDATION, SYNDROMAL, WITH INTERMITTENT HYPERVENTILATION; ENCEPHALOPATHY, SEVERE EPILEPTIC, WITH AUTONOMIC DYSFUNCTION. Identifiers: Orphanet 2896, MedGen C1970431, MONDO:0012589, OMIM 610954.

Submissions (3):

Mendelics
Classification: Pathogenic for Pitt-Hopkins syndrome. Last evaluated: 2019-05-28. Review status: criteria provided, single submitter. Criteria: Mendelics Assertion Criteria 2017. Collection method: clinical testing. Allele origin: unknown.

Eurofins Ntd Llc (ga)
Classification: Pathogenic. Last evaluated: 2018-08-16. Review status: criteria provided, single submitter. Criteria: EGL ClinVar v180209 classification definitions. Collection method: clinical testing. Allele origin: germline. Observed: 1 variant allele, 1 heterozygote.

Ambry Genetics
Classification: Pathogenic for Inborn genetic diseases. Last evaluated: 2016-05-03. Review status: criteria provided, single submitter. Criteria: Ambry Variant Classification Scheme 2023. Collection method: clinical testing. Allele origin: germline.
Comment: The c.469delC pathogenic mutation, located in coding exon 6 of the TCF4 gene, results from a deletion of one nucleotide at position 469, causing a translational frameshift with a predicted alternate stop codon. Since frameshifts are typically deleterious in nature, this alteration is interpreted as a disease-causing mutation (ACMG Recommendations for Standards for Interpretation and Reporting of Sequence Variations. Revision 2007. Genet Med. 2008;10:294).

NM_001083962.2(TCF4):c.469del (p.Arg157fs)

Gene: TCF4 (transcription factor 4; minus strand). Cytogenetic location: 18q21.2.
Variant type: Deletion.
Coding change: c.469del on transcript NM_001083962.2 (MANE Select); coding-DNA position 469, one base deleted (C; older notation c.469delC).
Protein change: p.Arg157fs; shifts the reading frame from arginine 157.
Molecular consequence: frameshift variant.
Genome position (GRCh38, 1-based): chr18:55,350,904, G deleted on the plus strand (C on the coding strand, the reverse complement: TCF4 is on the minus strand); the first of 4 consecutive G bases (chr18:55,350,904-55,350,907); deleting any one gives the same sequence. VCF-style (leftmost placement, unchanged base first): chr18-55350903-CG-C. GRCh37 (hg19) VCF-style: chr18-53018134-CG-C.
Other names: c.775del, p.Arg259fs (NM_001243226.3); c.397del, p.Arg133fs (NM_001243227.2, NM_001306207.1, NM_001348217.1 and 9 more transcripts); c.469del, p.Arg157fs (NM_001243228.2, NM_001330604.3, NM_001369567.1 and 5 more transcripts); c.463del, p.Arg155fs (NM_001243230.2); c.343del, p.Arg115fs (NM_001243231.2, NM_001348211.2); c.256del, p.Arg86fs (NM_001243232.1, NM_001306208.1); c.79del, p.Arg27fs (NM_001243233.2, NM_001330605.3, NM_001348212.2 and 1 more transcripts); c.394del, p.Arg132fs (NM_001348220.1, NM_001369576.1, NM_001369578.1 and 3 more transcripts); and 1 more; short protein forms R157fs, R259fs, R156fs, R115fs, R155fs, R27fs, R132fs, R133fs.
Identifiers: ClinVar variation 589268 (VCV000589268.10), dbSNP rs1569138023, ClinGen allele CA891844326.
Genomic context (GRCh38, chr18:55,350,903, plus strand): 5'-CCTCAGGCATTCAAACAAAGGAATACCTTACCCATGGCACTACTGTGAAGAGGCCTCCTT[CG>C]GGGATTATTGCTAGAATACTGATAGTACTGGGAACCAGGTTTGGTGGGCGAAAGGGTTCC-3'